The following is an entry in ClinVar:

ClinVar aggregate classification (germline): Uncertain significance (1 of 4 stars; one submission).

Conditions:
Dilated cardiomyopathy 1W (CMD1W). Identifiers: Orphanet 154, MedGen C1969639, MONDO:0012667, OMIM 611407.

Submission:

Labcorp Genetics (formerly Invitae), Labcorp
Classification: Uncertain significance for Dilated cardiomyopathy 1W. Last evaluated: 2021-02-22. Review status: criteria provided, single submitter. Criteria: Invitae Variant Classification Sherloc (09022015). Collection method: clinical testing. Allele origin: germline.
Comment: This sequence change replaces glutamic acid with lysine at codon 149 of the VCL protein (p.Glu149Lys). The glutamic acid residue is highly conserved and there is a small physicochemical difference between glutamic acid and lysine. This variant is not present in population databases (ExAC no frequency). This variant has not been reported in the literature in individuals with VCL-related conditions. Algorithms developed to predict the effect of missense changes on protein structure and function are either unavailable or do not agree on the potential impact of this missense change (SIFT: "Not Available"; PolyPhen-2: "Probably Damaging"; Align-GVGD: "Not Available"). In summary, the available evidence is currently insufficient to determine the role of this variant in disease. Therefore, it has been classified as a Variant of Uncertain Significance.

NM_014000.3(VCL):c.445G>A (p.Glu149Lys)

Gene: VCL (vinculin; plus strand). Cytogenetic location: 10q22.2.
Variant type: single nucleotide variant.
Coding change: c.445G>A on transcript NM_014000.3 (MANE Select); coding-DNA position 445, G replaced by A.
Protein change: p.Glu149Lys; replaces glutamic acid 149 with lysine.
Molecular consequence: missense variant.
Genome position (GRCh38, 1-based): chr10:74,071,029, G>A. VCF-style: chr10-74071029-G-A. GRCh37 (hg19) VCF-style: chr10-75830787-G-A.
Other names: c.445G>A, p.Glu149Lys (NM_003373.4); short protein forms E149K.
Identifiers: ClinVar variation 1501122 (VCV001501122.6), dbSNP rs2136272902, ClinGen allele CA377266536.